The following is an entry in ClinVar:

ClinVar aggregate classification (germline): Uncertain significance. Review status: criteria provided, multiple submitters, no conflicts (2 of 4 stars). 2 submissions from 2 submitters: Uncertain significance (2). Last evaluated 2025-11-27.

Conditions:
Cataract 14 multiple types. Also called: CATARACT 14, ZONULAR PULVERULENT; CATARACT 14, NUCLEAR PULVERULENT; CATARACT 14, NUCLEAR PULVERULENT AND POSTERIOR POLAR; CATARACT 14, NUCLEAR CORALLIFORM; CATARACT 14, EMBRYONAL NUCLEAR; CATARACT 14, COPPOCK-LIKE. Identifiers: Orphanet 91492, MedGen C1866078, MONDO:0011162, OMIM 601885.
Inborn genetic diseases. Identifiers: MedGen C0950123, MeSH D030342.

Allele frequency attached by ClinVar (database versions not stated): ExAC 0.00006.

Submissions (2):

Labcorp Genetics (formerly Invitae), Labcorp
Classification: Uncertain significance for Cataract 14 multiple types. Last evaluated: 2025-11-27. Review status: criteria provided, single submitter. Criteria: Invitae Variant Classification Sherloc (09022015). Collection method: clinical testing. Allele origin: germline.
Comment: This sequence change replaces aspartic acid, which is acidic and polar, with asparagine, which is neutral and polar, at codon 241 of the GJA3 protein (p.Asp241Asn). This variant is present in population databases (rs777200073, gnomAD 0.003%). This variant has not been reported in the literature in individuals affected with GJA3-related conditions. ClinVar contains an entry for this variant (Variation ID: 2616171). Invitae Evidence Modeling of protein sequence and biophysical properties (such as structural, functional, and spatial information, amino acid conservation, physicochemical variation, residue mobility, and thermodynamic stability) indicates that this missense variant is not expected to disrupt GJA3 protein function with a negative predictive value of 95%. In summary, the available evidence is currently insufficient to determine the role of this variant in disease. Therefore, it has been classified as a Variant of Uncertain Significance.

Ambry Genetics
Classification: Uncertain significance for Inborn genetic diseases. Last evaluated: 2023-08-04. Review status: criteria provided, single submitter. Criteria: Ambry Variant Classification Scheme 2023. Collection method: clinical testing. Allele origin: germline.

NM_021954.4(GJA3):c.721G>A (p.Asp241Asn)

Gene: GJA3 (gap junction protein alpha 3; minus strand). Cytogenetic location: 13q12.11.
Variant type: single nucleotide variant.
Coding change: c.721G>A on transcript NM_021954.4 (MANE Select); coding-DNA position 721, G replaced by A.
Protein change: p.Asp241Asn; replaces aspartic acid 241 with asparagine.
Molecular consequence: missense variant.
Genome position (GRCh38, 1-based): chr13:20,142,568, C>T on the plus strand (G>A on the coding strand, the complement: GJA3 is on the minus strand). VCF-style: chr13-20142568-C-T. GRCh37 (hg19) VCF-style: chr13-20716707-C-T.
Other names: short protein forms D241N.
Identifiers: ClinVar variation 2616171 (VCV002616171.3), dbSNP rs777200073, ClinGen allele CA6904059.
Genomic context (GRCh38, chr13:20,142,568, plus strand): 5'-GCCGGGAGCTGGGGGGCAGGGGCGGGGGATCGGCTGTCCCCAGCGGGGCCTCGGAGGCGT[C>T]CGGGCCGAGGCGGCTGGTCACGCCCTGCTTGAGCTTCTTCCAGCCCAGGTGGTAGATCTC-3'
Protein context (NP_068773.2, residues 231-251): KQGVTSRLGP[Asp241Asn]ASEAPLGTAD